The following is an entry in ClinVar:

NM_007294.4(BRCA1):c.3599_3600del (p.Gln1200fs)

Genes: BRCA1 (BRCA1 DNA repair associated; minus strand), LOC126862571 (BRD4-independent group 4 enhancer GRCh37_chr17:41243136-41244335; plus strand). Cytogenetic location: 17q21.31.
Variant type: Deletion.
Coding change: c.3599_3600del on transcript NM_007294.4 (MANE Select); coding-DNA positions 3599 to 3600, 2 bases deleted (AG; older notation c.3599_3600delAG).
Protein change: p.Gln1200fs; shifts the reading frame from glutamine 1200.
Molecular consequence: frameshift variant. On other transcripts: intron variant (135).
Genome position (GRCh38, 1-based): chr17:43,091,931-43,091,932, CT deleted on the plus strand (AG on the coding strand, the reverse complement: BRCA1 is on the minus strand). VCF-style (leftmost placement, unchanged base first): chr17-43091930-CCT-C. GRCh37 (hg19) VCF-style: chr17-41243947-CCT-C.
Other names: 3718delAG; c.3599_3600del, p.Gln1200fs (NM_001407582.1, NM_001407583.1, NM_001407585.1 and 30 more transcripts); c.3596_3597del, p.Gln1199fs (NM_001407587.1, NM_001407590.1, NM_001407591.1 and 22 more transcripts); c.3521_3522del, p.Gln1174fs (NM_001407653.1, NM_001407654.1, NM_001407655.1 and 4 more transcripts); c.3518_3519del, p.Gln1173fs (NM_001407659.1, NM_001407660.1, NM_001407661.1 and 1 more transcripts); c.3473_3474del, p.Gln1158fs (NM_001407671.1, NM_001407672.1, NM_001407673.1 and 11 more transcripts); c.3476_3477del, p.Gln1159fs (NM_001407674.1, NM_001407675.1, NM_001407676.1 and 19 more transcripts); c.3458_3459del, p.Gln1153fs (NM_001407692.1, NM_001407694.1, NM_001407695.1 and 29 more transcripts); and 43 more; short protein forms Q1153fs, Q1200fs, Q1032fs, Q1072fs, Q1088fs, Q1158fs, Q1174fs, Q1073fs.
Identifiers: ClinVar variation 91609 (VCV000091609.17), dbSNP rs398122674, ClinGen allele CA002297.

ClinVar aggregate classification (germline): Pathogenic. Review status: reviewed by expert panel (3 of 4 stars). 5 submissions from 5 submitters: Pathogenic (1). 4 of the submissions do not count toward it. Last evaluated 2016-09-08.

Conditions:
Hereditary cancer-predisposing syndrome. Also called: Hereditary Cancer Syndrome; Hereditary neoplastic syndrome; Neoplastic Syndromes, Hereditary; Tumor predisposition. Identifiers: Orphanet 140162, MedGen C0027672, MeSH D009386, MONDO:0015356.
Hereditary breast ovarian cancer syndrome. Also called: BRCA1- and BRCA2-Associated Hereditary Breast and Ovarian Cancer; Hereditary breast and ovarian cancer syndrome; Hereditary breast and ovarian cancer syndrome (HBOC); Breast and ovarian cancer; Hereditary breast and/or ovarian cancer syndrome; Hereditary breast and ovarian cancer. Identifiers: Orphanet 145, MedGen C0677776, MeSH D061325, MONDO:0003582. Disease mechanism: loss of function.
Breast-ovarian cancer, familial, susceptibility to, 1 (BROVCA1). Also called: BRCA1 Hereditary Breast and Ovarian Cancer; OVARIAN CANCER, SUSCEPTIBILITY TO. Identifiers: Orphanet 145, MedGen C2676676, MONDO:0011450, OMIM 604370. Disease mechanism: loss of function.

Submissions (5):

Evidence-based Network for the Interpretation of Germline Mutant Alleles (ENIGMA)
Classification: Pathogenic for Breast-ovarian cancer, familial, susceptibility to, 1. Last evaluated: 2016-09-08. Review status: reviewed by expert panel. Criteria: ENIGMA BRCA1/2 Classification Criteria (2015). Collection method: curation. Allele origin: germline.
Comment: Variant allele predicted to encode a truncated non-functional protein.

Ambry Genetics
Classification: Pathogenic for Hereditary cancer-predisposing syndrome. Last evaluated: 2023-10-23. Review status: criteria provided, single submitter. Criteria: Ambry Variant Classification Scheme 2023. Collection method: clinical testing. Allele origin: germline. Not counted in ClinVar's aggregate classification.
Comment: The c.3599_3600delAG pathogenic mutation, located in coding exon 9 of the BRCA1 gene, results from a deletion of two nucleotides at nucleotide positions 3599 to 3600, causing a translational frameshift with a predicted alternate stop codon (p.Q1200Rfs*18). This alteration has been identified in multiple individuals diagnosed with ovarian cancer (Li A et al. Gynecol. Oncol., 2018 10;151:145-152; Deng H et al. Mol Genet Genomic Med, 2019 06;7:e672). This variant is considered to be rare based on population cohorts in the Genome Aggregation Database (gnomAD). In addition to the clinical data presented in the literature, this alteration is expected to result in loss of function by premature protein truncation or nonsense-mediated mRNA decay. As such, this alteration is interpreted as a disease-causing mutation.

Labcorp Genetics (formerly Invitae), Labcorp
Classification: Pathogenic for Hereditary breast ovarian cancer syndrome. Last evaluated: 2023-02-27. Review status: criteria provided, single submitter. Criteria: Invitae Variant Classification Sherloc (09022015). Collection method: clinical testing. Allele origin: germline. Not counted in ClinVar's aggregate classification.
Comment: ClinVar contains an entry for this variant (Variation ID: 91609). This premature translational stop signal has been observed in individual(s) with ovarian cancer (PMID: 30078507, 30972954). This variant is not present in population databases (gnomAD no frequency). This sequence change creates a premature translational stop signal (p.Gln1200Argfs*18) in the BRCA1 gene. It is expected to result in an absent or disrupted protein product. Loss-of-function variants in BRCA1 are known to be pathogenic (PMID: 20104584). For these reasons, this variant has been classified as Pathogenic.

Color Diagnostics, LLC DBA Color Health
Classification: Pathogenic for Hereditary cancer-predisposing syndrome. Last evaluated: 2020-12-31. Review status: criteria provided, single submitter. Criteria: ACMG Guidelines, 2015. Collection method: clinical testing. Allele origin: germline. Not counted in ClinVar's aggregate classification.
Comment: This variant deletes 2 nucleotides in exon 10 of the BRCA1 gene, creating a frameshift and premature translation stop signal. This variant is expected to result in an absent or non-functional protein product. To our knowledge, functional studies have not been reported for this variant. This variant has been reported in two individuals affected with ovarian cancer (PMID: 30078507, 30972954) and suspected hereditary breast and ovarian cancer families (PMID: 31209999). This variant has not been identified in the general population by the Genome Aggregation Database (gnomAD). Loss of BRCA1 function is a known mechanism of disease. Based on the available evidence, this variant is classified as Pathogenic.

Sharing Clinical Reports Project (SCRP)
Classification: Pathogenic for Breast-ovarian cancer, familial 1. Last evaluated: 2010-09-09. Review status: no assertion criteria provided. Collection method: clinical testing. Allele origin: germline. Not counted in ClinVar's aggregate classification.

Literature cited by the submitters: PubMed 30078507 (cited by Ambry Genetics and Labcorp Genetics (formerly Invitae), Labcorp); PubMed 30972954 (cited by Ambry Genetics and Labcorp Genetics (formerly Invitae), Labcorp); PubMed 31209999 (cited by Ambry Genetics); PubMed 20104584 (cited by Labcorp Genetics (formerly Invitae), Labcorp).